The following is an entry in ClinVar:

ClinVar aggregate classification (germline): Uncertain significance (1 of 4 stars; one submission).

Allele frequency attached by ClinVar (database versions not stated): gnomAD exomes 0.00003; gnomAD 0.00004; ExAC 0.00005; TOPMed 0.00005.
gnomAD v4.1: 45 of 1,614,016 alleles (0.0028%); highest among the groups gnomAD compares: Admixed American, 0.032%; no homozygotes.

Submission:

GeneDx
Classification: Uncertain significance. Last evaluated: 2022-11-30. Review status: criteria provided, single submitter. Criteria: GeneDx Variant Classification Process June 2021. Collection method: clinical testing. Allele origin: germline. Affected: yes.
Comment: In silico analysis supports that this missense variant has a deleterious effect on protein structure/function; Has not been previously published as pathogenic or benign to our knowledge

NM_001005388.3(NFASC):c.377C>T (p.Thr126Met)

Gene: NFASC (neurofascin; plus strand). Cytogenetic location: 1q32.1.
Variant type: single nucleotide variant.
Coding change: c.377C>T on transcript NM_001005388.3 (MANE Select); coding-DNA position 377, C replaced by T.
Protein change: p.Thr126Met; replaces threonine 126 with methionine.
Molecular consequence: missense variant. On other transcripts: non-coding transcript variant (1).
Genome position (GRCh38, 1-based): chr1:204,954,349, C>T. VCF-style: chr1-204954349-C-T. GRCh37 (hg19) VCF-style: chr1-204923477-C-T.
Other names: c.377C>T, p.Thr126Met (NM_001005389.2, NM_001378329.1); c.359C>T, p.Thr120Met (NM_001160331.2, NM_001160332.2, NM_001160333.2 and 4 more transcripts); short protein forms T120M, T126M.
Identifiers: ClinVar variation 2504334 (VCV002504334.1), dbSNP rs770085499, ClinGen allele CA1349557.
Genomic context (GRCh38, chr1:204,954,349, plus strand): 5'-GCGGGCGGCCGGAGGAATATGAGGGGGAATATCAGTGCTTCGCCCGCAACAAATTTGGCA[C>T]GGCCCTGTCCAATAGGATCCGCCTGCAGGTGTCTAGTGAGTAGCGTGGGGCAGGGCTGAA-3'
Protein context (NP_001005388.2, residues 116-136): YQCFARNKFG[Thr126Met]ALSNRIRLQV